The following is an entry in ClinVar:

ClinVar aggregate classification (germline): Conflicting classifications of pathogenicity. Review status: criteria provided, conflicting classifications (1 of 4 stars). 3 submissions from 3 submitters: Uncertain significance (2); Likely benign (1). Last evaluated 2024-09-09.

Conditions:
Colorectal cancer. Also called: Malignant Colorectal Neoplasm; Colorectal cancer, somatic. Identifiers: MedGen C0346629, MONDO:0005575, OMIM 114500.
Hereditary cancer-predisposing syndrome. Also called: Hereditary Cancer Syndrome; Hereditary neoplastic syndrome; Neoplastic Syndromes, Hereditary; Tumor predisposition. Identifiers: Orphanet 140162, MedGen C0027672, MeSH D009386, MONDO:0015356.
Oligodontia-cancer predisposition syndrome. Also called: TOOTH AGENESIS-COLORECTAL CANCER SYNDROME. Identifiers: Orphanet 300576, MedGen C1837750, MONDO:0012075, OMIM 608615. Disease mechanism: loss of function.

Submissions (3):

Ambry Genetics
Classification: Likely benign for Hereditary cancer-predisposing syndrome. Last evaluated: 2024-09-09. Review status: criteria provided, single submitter. Criteria: Ambry Variant Classification Scheme 2023. Collection method: clinical testing. Allele origin: germline.

Labcorp Genetics (formerly Invitae), Labcorp
Classification: Uncertain significance for Oligodontia-cancer predisposition syndrome. Last evaluated: 2024-03-20. Review status: criteria provided, single submitter. Criteria: Invitae Variant Classification Sherloc (09022015). Collection method: clinical testing. Allele origin: germline.
Comment: This sequence change replaces glycine, which is neutral and non-polar, with valine, which is neutral and non-polar, at codon 502 of the AXIN2 protein (p.Gly502Val). This variant is not present in population databases (gnomAD no frequency). This variant has not been reported in the literature in individuals affected with AXIN2-related conditions. ClinVar contains an entry for this variant (Variation ID: 1774079). Advanced modeling of protein sequence and biophysical properties (such as structural, functional, and spatial information, amino acid conservation, physicochemical variation, residue mobility, and thermodynamic stability) performed at Invitae indicates that this missense variant is not expected to disrupt AXIN2 protein function with a negative predictive value of 80%. In summary, the available evidence is currently insufficient to determine the role of this variant in disease. Therefore, it has been classified as a Variant of Uncertain Significance.

Baylor Genetics
Classification: Uncertain significance for Colorectal cancer. Last evaluated: 2024-02-18. Review status: criteria provided, single submitter. Criteria: ACMG Guidelines, 2015. Collection method: clinical testing. Allele origin: unknown.

NM_004655.4(AXIN2):c.1505G>T (p.Gly502Val)

Gene: AXIN2 (axin 2; minus strand). Cytogenetic location: 17q24.1.
Variant type: single nucleotide variant.
Coding change: c.1505G>T on transcript NM_004655.4 (MANE Select); coding-DNA position 1505, G replaced by T.
Protein change: p.Gly502Val; replaces glycine 502 with valine.
Molecular consequence: missense variant.
Genome position (GRCh38, 1-based): chr17:65,537,531, C>A on the plus strand (G>T on the coding strand, the complement: AXIN2 is on the minus strand). VCF-style: chr17-65537531-C-A. GRCh37 (hg19) VCF-style: chr17-63533649-C-A.
Other names: c.1505G>T, p.Gly502Val (NM_001363813.1); short protein forms G502V.
Identifiers: ClinVar variation 1774079 (VCV001774079.7), dbSNP rs2144460841, ClinGen allele CA400677376.
Genomic context (GRCh38, chr17:65,537,531, plus strand): 5'-TGGTGGTGGATGTAGTGGTGGTGGACATGCTTCGTCGTCTGCTTGGTCACAAAGCCTTTG[C>A]CCCCGAGGAGGGGGCAGGCGCCCGGCGAGGCGGCCGCGGGAGGCAGCTTGCCACCGGGCG-3'
Protein context (NP_004646.3, residues 492-512): ASPGACPLLG[Gly502Val]KGFVTKQTTK